The following is an entry in ClinVar:

ClinVar aggregate classification (germline): Uncertain significance. Review status: criteria provided, multiple submitters, no conflicts (2 of 4 stars). 2 submissions from 2 submitters: Uncertain significance (2). Last evaluated 2022-08-30.

Conditions:
Autosomal dominant Parkinson disease 8. Also called: Parkinson disease 8, susceptibility to; LRRK2-Related Parkinson Disease; Parkinson disease 8. Identifiers: Orphanet 411602, MedGen C1846862, MONDO:0011764, OMIM 607060.
Inborn genetic diseases. Identifiers: MedGen C0950123, MeSH D030342.

Allele frequency attached by ClinVar (database versions not stated): gnomAD exomes below 0.00001; ExAC 0.00001; gnomAD 0.00001.
gnomAD v4.1: 2 of 1,612,520 alleles (0.00012%); highest among the groups gnomAD compares: Non-Finnish European, 0.00017%; no homozygotes.

Submissions (2):

Ambry Genetics
Classification: Uncertain significance for Inborn genetic diseases. Last evaluated: 2022-08-30. Review status: criteria provided, single submitter. Criteria: Ambry Variant Classification Scheme 2023. Collection method: clinical testing. Allele origin: germline.
Comment: The p.I2427T variant (also known as c.7280T>C), located in coding exon 49 of the LRRK2 gene, results from a T to C substitution at nucleotide position 7280. The isoleucine at codon 2427 is replaced by threonine, an amino acid with similar properties. This amino acid position is conserved. In addition, the in silico prediction for this alteration is inconclusive. Since supporting evidence is limited at this time, the clinical significance of this alteration remains unclear.

Labcorp Genetics (formerly Invitae), Labcorp
Classification: Uncertain significance for Autosomal dominant Parkinson disease 8. Last evaluated: 2022-06-26. Review status: criteria provided, single submitter. Criteria: Invitae Variant Classification Sherloc (09022015). Collection method: clinical testing. Allele origin: germline.
Comment: This variant has not been reported in the literature in individuals affected with LRRK2-related conditions. This variant is present in population databases (rs755329104, gnomAD 0.0009%). This sequence change replaces isoleucine, which is neutral and non-polar, with threonine, which is neutral and polar, at codon 2427 of the LRRK2 protein (p.Ile2427Thr). Algorithms developed to predict the effect of missense changes on protein structure and function are either unavailable or do not agree on the potential impact of this missense change (SIFT: "Deleterious"; PolyPhen-2: "Benign"; Align-GVGD: "Class C0"). In summary, the available evidence is currently insufficient to determine the role of this variant in disease. Therefore, it has been classified as a Variant of Uncertain Significance.

NM_198578.4(LRRK2):c.7280T>C (p.Ile2427Thr)

Gene: LRRK2 (leucine rich repeat kinase 2; plus strand). Cytogenetic location: 12q12.
Variant type: single nucleotide variant.
Coding change: c.7280T>C on transcript NM_198578.4 (MANE Select); coding-DNA position 7280, T replaced by C.
Protein change: p.Ile2427Thr; replaces isoleucine 2427 with threonine.
Molecular consequence: missense variant.
Genome position (GRCh38, 1-based): chr12:40,364,940, T>C. VCF-style: chr12-40364940-T-C. GRCh37 (hg19) VCF-style: chr12-40758742-T-C.
Other names: short protein forms I2427T.
Identifiers: ClinVar variation 1758071 (VCV001758071.7), dbSNP rs755329104, ClinGen allele CA6514890.